The following is an entry in ClinVar:

NM_005235.3(ERBB4):c.1122T>G (p.His374Gln)

Gene: ERBB4 (erb-b2 receptor tyrosine kinase 4; minus strand). Cytogenetic location: 2q34.
Variant type: single nucleotide variant.
Coding change: c.1122T>G on transcript NM_005235.3 (MANE Select); coding-DNA position 1122, T replaced by G.
Protein change: p.His374Gln; replaces histidine 374 with glutamine.
Molecular consequence: missense variant.
Genome position (GRCh38, 1-based): chr2:211,712,052, A>C on the plus strand (T>G on the coding strand, the complement: ERBB4 is on the minus strand). VCF-style: chr2-211712052-A-C. GRCh37 (hg19) VCF-style: chr2-212576777-A-C.
Other names: p.His374Gln; c.1122T>G, p.His374Gln (NM_001042599.2); short protein forms H374Q.
Identifiers: ClinVar variation 770696 (VCV000770696.44), dbSNP rs76603692, ClinGen allele CA2088236.
Genomic context (GRCh38, chr2:211,712,052, plus strand): 5'-ATCTCTTCAGTTTTGTCTACACTTTGTAAAATAACTTGCACAAAAATTTAATACTGACCC[A>C]TGAATACCAGTGACTAGAAAGATCAAATTCCCATTGATCTTGGTACAGTTTATGAATTTG-3'
Protein context (NP_005226.1, residues 364-384): GNLIFLVTGI[His374Gln]GDPYNAIEAI

ClinVar aggregate classification (germline): Conflicting classifications of pathogenicity. Review status: criteria provided, conflicting classifications (1 of 4 stars). 9 submissions from 9 submitters: Uncertain significance (1); Benign (2); Likely benign (3). 3 of the submissions do not count toward it. Last evaluated 2026-03-01.

Conditions:
Amyotrophic lateral sclerosis type 19. Identifiers: Orphanet 803, MedGen C3715155, MONDO:0014223, OMIM 615515.
Amyotrophic lateral sclerosis (ALS). Also called: Charcot disease; Lou Gehrig disease. Identifiers: Orphanet 803, MedGen C0002736, MONDO:0004976, HP:0007354.
ERBB4-related disorder. Also called: ERBB4-related condition.

Allele frequency attached by ClinVar (database versions not stated): 1000 Genomes Project 0.00100; ESP Exome Variant Server 0.00146; gnomAD exomes 0.00272; TOPMed 0.00157; 1000 Genomes Project 30x 0.00187; ExAC 0.00250.
gnomAD v4.1: 3,273 of 1,611,518 alleles (0.2%); highest among the groups gnomAD compares: Middle Eastern, 0.96%; 19 homozygotes.

Submissions (10):

CeGaT Center for Human Genetics Tuebingen
Classification: Likely benign. Last evaluated: 2026-03-01. Review status: criteria provided, single submitter. Criteria: CeGaT Center For Human Genetics Tuebingen Variant Classification Criteria Version 2. Collection method: clinical testing. Allele origin: germline. Affected: yes. Observed: 6 variant alleles.
Comment: ERBB4: BS1

Labcorp Genetics (formerly Invitae), Labcorp
Classification: Likely benign. Last evaluated: 2026-01-18. Review status: criteria provided, single submitter. Criteria: Invitae Variant Classification Sherloc (09022015). Collection method: clinical testing. Allele origin: germline.

Mayo Clinic Laboratories, Mayo Clinic
Classification: Benign. Last evaluated: 2023-03-10. Review status: criteria provided, single submitter. Criteria: ACMG Guidelines, 2015. Collection method: clinical testing. Allele origin: germline. Observed: 3 variant alleles.
Comment: BS1, BS2, BP4

Department of Pathology and Laboratory Medicine, Sinai Health System
Classification: Likely benign for Amyotrophic lateral sclerosis type 19. Last evaluated: 2021-07-30. Review status: criteria provided, single submitter. Criteria: ACMG Guidelines, 2015. Collection method: research. Allele origin: germline.

Genome-Nilou Lab
Classification: Benign for Amyotrophic lateral sclerosis type 19. Last evaluated: 2021-05-18. Review status: criteria provided, single submitter. Criteria: ACMG Guidelines, 2015. Collection method: clinical testing. Allele origin: germline. Affected: no.

UM ALS/MND Lab, University Of Malta
Classification: Uncertain significance for Amyotrophic lateral sclerosis. Last evaluated: 2020-09-09. Review status: criteria provided, single submitter. Criteria: ACMG Guidelines, 2015. Collection method: case-control. Allele origin: unknown. Affected: yes. Observed: 1 variant allele.
Comment: Single heterozygote

PreventionGenetics, part of Exact Sciences
Classification: Benign for ERBB4-related condition. Last evaluated: 2019-07-11. Review status: no assertion criteria provided. Collection method: clinical testing. Allele origin: germline. Not counted in ClinVar's aggregate classification.
Comment: This variant is classified as benign based on ACMG/AMP sequence variant interpretation guidelines (Richards et al. 2015 PMID: 25741868, with internal and published modifications).

Clinical Genetics DNA and cytogenetics Diagnostics Lab, Erasmus MC, Erasmus Medical Center
Classification: Likely benign. Review status: no assertion criteria provided. Collection method: clinical testing. Allele origin: germline. Affected: yes. Study: VKGL Data-share Consensus. Not counted in ClinVar's aggregate classification.

Dr. Peter K. Rogan Lab, Western University
No classification provided (evidence only). Condition: Uterine carcinosarcoma. Review status: no classification provided. Collection method: in vitro. Allele origin: not applicable. Functional consequence: retained intron. Not counted in ClinVar's aggregate classification.

Genome Diagnostics Laboratory, Amsterdam University Medical Center
Classification: Likely benign. Review status: no assertion criteria provided. Collection method: clinical testing. Allele origin: germline. Affected: yes. Study: VKGL Data-share Consensus. Not counted in ClinVar's aggregate classification.

Literature cited by the submitters: PubMed 28889094 (cited by Mayo Clinic Laboratories, Mayo Clinic).